The following is an entry in ClinVar:

NM_000051.4(ATM):c.5708A>C (p.Lys1903Thr)

Gene: ATM (ATM serine/threonine kinase; plus strand). Cytogenetic location: 11q22.3.
Variant type: single nucleotide variant.
Coding change: c.5708A>C on transcript NM_000051.4 (MANE Select); coding-DNA position 5708, A replaced by C.
Protein change: p.Lys1903Thr; replaces lysine 1903 with threonine.
Molecular consequence: missense variant.
Genome position (GRCh38, 1-based): chr11:108,307,930, A>C. VCF-style: chr11-108307930-A-C. GRCh37 (hg19) VCF-style: chr11-108178657-A-C.
Other names: c.5708A>C, p.Lys1903Thr (NM_001351834.2); short protein forms K1903T.
Identifiers: ClinVar variation 1749194 (VCV001749194.2), dbSNP rs2083818567, ClinGen allele CA382547873.

ClinVar aggregate classification (germline): Uncertain significance (1 of 4 stars; one submission).

Conditions:
Hereditary cancer-predisposing syndrome. Also called: Hereditary Cancer Syndrome; Hereditary neoplastic syndrome; Neoplastic Syndromes, Hereditary; Tumor predisposition. Identifiers: Orphanet 140162, MedGen C0027672, MeSH D009386, MONDO:0015356.

Submission:

Ambry Genetics
Classification: Uncertain significance for Hereditary cancer-predisposing syndrome. Last evaluated: 2021-12-20. Review status: criteria provided, single submitter. Criteria: Ambry Variant Classification Scheme 2023. Collection method: clinical testing. Allele origin: germline.
Comment: The p.K1903T variant (also known as c.5708A>C), located in coding exon 37 of the ATM gene, results from an A to C substitution at nucleotide position 5708. The lysine at codon 1903 is replaced by threonine, an amino acid with similar properties. This amino acid position is conserved. In addition, this alteration is predicted to be deleterious by in silico analysis. Since supporting evidence is limited at this time, the clinical significance of this alteration remains unclear.